The following is an entry in ClinVar:

ClinVar aggregate classification (germline): Uncertain significance (1 of 4 stars; one submission).

Conditions:
BDNF-related disorder. Also called: BDNF-related condition.

gnomAD v4.1: 5 of 1,360,478 alleles (0.00037%); highest among the groups gnomAD compares: Admixed American, 0.0019%; no homozygotes.

Submission:

PreventionGenetics, part of Exact Sciences
Classification: Uncertain significance for BDNF-related condition. Last evaluated: 2026-01-26. Review status: criteria provided, single submitter. Criteria: ACMG Guidelines, 2015. Collection method: clinical testing. Allele origin: germline.
Comment: The BDNF c.63G>A variant is not predicted to result in an amino acid change (p.=). In an alternate transcript (NM_170735.5), this variant is found within a pre-coding area (c.-42410G>A). This variant is predicted to have the strongest impact on slicing within the NM_001143808.1 transcript where it is also found within a pre-coding area (c.-22+7G>A) (SpliceAI, Jaganathan et al. 2019. PubMed ID: 30661751). To our knowledge, this variant has not been reported in the literature. This variant is reported in 0.0029% of alleles in individuals of Latino descent in gnomAD. At this time, the clinical significance of this variant is uncertain due to the absence of conclusive functional and genetic evidence.

NM_001143809.2(BDNF):c.63G>A (p.Gly21=)

Gene: BDNF (brain derived neurotrophic factor; minus strand). Cytogenetic location: 11p14.1.
Variant type: single nucleotide variant.
Coding change: c.63G>A on transcript NM_001143809.2; coding-DNA position 63, G replaced by A.
Protein change: p.Gly21=; no amino-acid change (glycine 21 retained).
Molecular consequence: synonymous variant. On other transcripts: 5 prime UTR variant (2), intron variant (7).
Genome position (GRCh38, 1-based): chr11:27,700,974, C>T on the plus strand (G>A on the coding strand, the complement: BDNF is on the minus strand). VCF-style: chr11-27700974-C-T. GRCh37 (hg19) VCF-style: chr11-27722521-C-T.
Other names: c.-62G>A (NM_001143810.2); c.-425G>A (NM_001143811.2); c.3+20438G>A (NM_170731.5); c.-22+19670G>A (NM_001143805.1); c.-22+19455G>A (NM_001143806.1); c.-22+19372G>A (NM_170732.4); c.-22+18537G>A (NM_001143807.2); c.-22+323G>A (NM_170733.4); and 1 more.
Identifiers: ClinVar variation 3351909 (VCV003351909.2).